The following is an entry in ClinVar:

NM_006514.4(SCN10A):c.1627G>A (p.Ala543Thr)

Gene: SCN10A (sodium voltage-gated channel alpha subunit 10; minus strand). Cytogenetic location: 3p22.2.
Variant type: single nucleotide variant.
Coding change: c.1627G>A on transcript NM_006514.4 (MANE Select); coding-DNA position 1627, G replaced by A.
Protein change: p.Ala543Thr; replaces alanine 543 with threonine.
Molecular consequence: missense variant. On other transcripts: intron variant (1).
Genome position (GRCh38, 1-based): chr3:38,752,347, C>T on the plus strand (G>A on the coding strand, the complement: SCN10A is on the minus strand). VCF-style: chr3-38752347-C-T. GRCh37 (hg19) VCF-style: chr3-38793838-C-T.
Other names: c.1627G>A, p.Ala543Thr (NM_001293306.2); c.1462-2163G>A (NM_001293307.2); short protein forms A543T.
Identifiers: ClinVar variation 3225622 (VCV003225622.1), dbSNP rs1310034820, ClinGen allele CA352167350.

ClinVar aggregate classification (germline): Uncertain significance (1 of 4 stars; one submission).

Conditions:
Cardiovascular phenotype. Identifiers: MedGen CN230736.

Allele frequency attached by ClinVar (database versions not stated): gnomAD exomes below 0.00001; TOPMed below 0.00001.
gnomAD v4.1: 2 of 1,613,434 alleles (0.00012%); highest among the groups gnomAD compares: Non-Finnish European, 0.00017%; no homozygotes.

Submission:

Ambry Genetics
Classification: Uncertain significance for Cardiovascular phenotype. Last evaluated: 2023-02-21. Review status: criteria provided, single submitter. Criteria: Ambry Variant Classification Scheme 2023. Collection method: clinical testing. Allele origin: germline.
Comment: The p.A543T variant (also known as c.1627G>A), located in coding exon 11 of the SCN10A gene, results from a G to A substitution at nucleotide position 1627. The alanine at codon 543 is replaced by threonine, an amino acid with similar properties. This amino acid position is not well conserved in available vertebrate species. In addition, this alteration is predicted to be tolerated by in silico analysis. The evidence for this gene-disease relationship is limited; therefore, the clinical significance of this alteration is unclear.